The following is an entry in ClinVar:

NM_183075.3(CYP2U1):c.767C>T (p.Ser256Leu)

Gene: CYP2U1 (cytochrome P450 family 2 subfamily U member 1; plus strand). Cytogenetic location: 4q25.
Variant type: single nucleotide variant.
Coding change: c.767C>T on transcript NM_183075.3 (MANE Select); coding-DNA position 767, C replaced by T.
Protein change: p.Ser256Leu; replaces serine 256 with leucine.
Molecular consequence: missense variant.
Genome position (GRCh38, 1-based): chr4:107,945,246, C>T. VCF-style: chr4-107945246-C-T. GRCh37 (hg19) VCF-style: chr4-108866402-C-T.
Other names: short protein forms S256L.
Identifiers: ClinVar variation 1364837 (VCV001364837.1), dbSNP rs377203075, ClinGen allele CA3037057.
Genomic context (GRCh38, chr4:107,945,246, plus strand): 5'-GCTTTGGCCAGCGCTTTGATTACACTAATAGTGAGTTCAAGAAAATGCTTGGTTTTATGT[C>T]ACGAGGCCTAGAAATCTGTCTGAACAGTCAAGTCCTCCTGGTCAACATATGCCCTTGGCT-3'
Protein context (NP_898898.1, residues 246-266): SEFKKMLGFM[Ser256Leu]RGLEICLNSQ

ClinVar aggregate classification (germline): Uncertain significance (1 of 4 stars; one submission).

Conditions:
Spastic paraplegia. Identifiers: MedGen C0037772, HP:0001258.

Allele frequency attached by ClinVar (database versions not stated): gnomAD exomes below 0.00001; TOPMed below 0.00001; ExAC 0.00001; ESP Exome Variant Server 0.00008.

Submission:

Labcorp Genetics (formerly Invitae), Labcorp
Classification: Uncertain significance for Spastic paraplegia. Last evaluated: 2021-10-12. Review status: criteria provided, single submitter. Criteria: Invitae Variant Classification Sherloc (09022015). Collection method: clinical testing. Allele origin: germline.
Comment: This sequence change replaces serine with leucine at codon 256 of the CYP2U1 protein (p.Ser256Leu). The serine residue is highly conserved and there is a large physicochemical difference between serine and leucine. This variant is present in population databases (rs377203075, ExAC 0.01%). This variant has not been reported in the literature in individuals affected with CYP2U1-related conditions. Advanced modeling of protein sequence and biophysical properties (such as structural, functional, and spatial information, amino acid conservation, physicochemical variation, residue mobility, and thermodynamic stability) performed at Invitae indicates that this missense variant is not expected to disrupt CYP2U1 protein function. In summary, the available evidence is currently insufficient to determine the role of this variant in disease. Therefore, it has been classified as a Variant of Uncertain Significance.